The following is an entry in ClinVar:

ClinVar aggregate classification (germline): Pathogenic/Likely pathogenic. Review status: criteria provided, multiple submitters, no conflicts (2 of 4 stars). 30 submissions from 30 submitters: Pathogenic (21); Likely pathogenic (7). 2 of the submissions do not count toward it. Last evaluated 2026-08-06.

Conditions:
Inborn genetic diseases. Identifiers: MedGen C0950123, MeSH D030342.
ASL-related disorder. Also called: ASL-related condition.
Argininosuccinate lyase deficiency. Also called: Argininosuccinic aciduria; ARGININOSUCCINIC ACID LYASE DEFICIENCY; ASL DEFICIENCY. Identifiers: Orphanet 23, MedGen C0268547, MONDO:0008815, OMIM 207900, HP:0025630.

Allele frequency attached by ClinVar (database versions not stated): ExAC 0.00116; 1000 Genomes Project 0.00040; 1000 Genomes Project 30x 0.00047; ESP Exome Variant Server 0.00223; TOPMed 0.00111; gnomAD 0.00116 and 0.00120; gnomAD exomes 0.00113 and 0.00192.
gnomAD v4.1: 2,956 of 1,613,768 alleles (0.18%); highest among the groups gnomAD compares: Non-Finnish European, 0.23%; 1 homozygote.

Submissions 1 to 12 of 30:

OLLIN Analises Genomicas, OLLIN
Classification: Pathogenic for Argininosuccinate lyase deficiency. Last evaluated: 2026-08-06. Review status: criteria provided, single submitter. Criteria: ACMG Guidelines 2015 PMID 25741868. Collection method: clinical testing. Allele origin: germline. Inheritance: Autosomal recessive inheritance.
Comment: This missense variant, located in exon 3 (of 17), has been reported in ClinVar (accession VCV002581264.1), in gnomAD with an allele frequency of 0.18%, and in the scientific literature, segregating with the phenotype and in compound heterozygosity, in individuals with ASL related disorders (PMID: 19015152, 19034401, 26903602, 16845400, 17846997, 20131292, 26846091, 28762473). In silico analysis is inconclusive regarding the impact of this variant; however, functional studies suggest that it may affect protein function (PMID: 19015152, 19034401, 26903602). According to the currently available evidence, this variant has been classified as pathogenic (PS3_M, PS4, PM3_VS, PP1_S, PP4).

Mendelics
Classification: Pathogenic for Argininosuccinate lyase deficiency. Last evaluated: 2026-03-05. Review status: criteria provided, single submitter. Criteria: ACMG Guidelines, 2015. Collection method: clinical testing. Allele origin: unknown.
Comment: Likely pathogenic/Pathogenic according to ACMG criteria.

Labcorp Genetics (formerly Invitae), Labcorp
Classification: Pathogenic for Argininosuccinate lyase deficiency. Last evaluated: 2026-02-04. Review status: criteria provided, single submitter. Criteria: Invitae Variant Classification Sherloc (09022015). Collection method: clinical testing. Allele origin: germline.
Comment: This sequence change replaces arginine, which is basic and polar, with glutamine, which is neutral and polar, at codon 12 of the ASL protein (p.Arg12Gln). This variant is present in population databases (rs145138923, gnomAD 0.2%), including at least one homozygous and/or hemizygous individual. This missense change has been observed in individual(s) with argininosuccinic aciduria (PMID: 20236848, 24166829, 26661037). ClinVar contains an entry for this variant (Variation ID: 92360). Invitae Evidence Modeling of protein sequence and biophysical properties (such as structural, functional, and spatial information, amino acid conservation, physicochemical variation, residue mobility, and thermodynamic stability) indicates that this missense variant is expected to disrupt ASL protein function with a positive predictive value of 95%. Experimental studies have shown that this missense change affects ASL function (PMID: 11747432, 25778938). For these reasons, this variant has been classified as Pathogenic.

Ambry Genetics
Classification: Pathogenic for Inborn genetic diseases. Last evaluated: 2026-01-14. Review status: criteria provided, single submitter. Criteria: Ambry Variant Classification Scheme 2023. Collection method: clinical testing. Allele origin: germline.
Comment: The c.35G>A (p.R12Q) alteration is located in exon 3 (coding exon 2) of the ASL gene. This alteration results from a G to A substitution at nucleotide position 35, causing the arginine (R) at amino acid position 12 to be replaced by a glutamine (Q). Based on data from gnomAD, the A allele has an overall frequency of 0.11% (316/282204) total alleles studied. The highest observed frequency was 0.19% (244/128664) of European (non-Finnish) alleles. This variant has been reported in the homozygous and compound heterozygous states in several individuals with clinical and/or biochemical features of argininosuccinic acid lyase deficiency (ASLD), although several individuals with reduced enzyme activity were clinically asymptomatic or only mildly affected, which suggests that this variant may be a hypomorphic variant with incomplete penetrance (Mercimek-Mahmutoglu, 2010; Balmer, 2014; Baruteau, 2017; Gon&ccedil;alves, 2024). In addition, a recent case-control analysis shows that this alteration is significantly enriched in an ASLD cohort compared to matched controls (Mik&oacute;, 2021). This amino acid position is highly conserved in available vertebrate species. In vitro functional studies demonstrate that this variant leads to reduced enzyme activity when expressed in conjunction with a null allele or in homozygosity (Hu, 2015; Zielonka, 2020). This variant is predicted to be deleterious by in silico analysis. Based on the available evidence, this alteration is classified as pathogenic.

Natera, Inc.
Classification: Likely pathogenic for Argininosuccinate lyase deficiency. Last evaluated: 2025-12-02. Review status: criteria provided, single submitter. Criteria: Natera Variant Classification Schema (03/2026). Collection method: clinical testing. Allele origin: germline.
Comment: The c.35G>A variant in ASL is a missense variant predicted to cause substitution of arginine to glutamine at amino acid 12. This variant is rare in the general population with a frequency below the threshold expected for the associated phenotype(s). This variant has been observed in at least one unaffected individual, with a zygosity that is consistent with the inheritance pattern for the associated condition (in gnomAD and/or literature). This variant has been observed in one or more individuals affected with the associated recessive disease, as either homozygous or compound heterozygous with a second variant (PMID: 24166829, 26661037, 28251416, 31056765, 33373331). Functional studies show that this variant may disrupt protein function (PMID: 25778938, 31943503). Computational prediction algorithms indicate this variant is likely to affect gene or protein function. Given the available evidence, this variant is classified as Likely Pathogenic.

GeneDx
Classification: Likely pathogenic. Last evaluated: 2025-10-28. Review status: criteria provided, single submitter. Criteria: GeneDx Variant Classification Process June 2021. Collection method: clinical testing. Allele origin: germline. Affected: yes.
Comment: Functional expression studies demonstrate reduced activity of the R12Q variant compared to the wild type protein (PMID: 25778938); In silico analysis supports that this missense variant has a deleterious effect on protein structure/function; This variant is associated with the following publications: (PMID: 34765397, 12384776, 31589614, 11747432, 26661037, 25087612, 23757202, 31943503, 34405919, 31980526, 28251416, 36097158, 29773863, 38535129, 24166829, 20236848, 25778938, 31056765, 40307426)

Revvity Omics, Revvity
Classification: Pathogenic for Argininosuccinate lyase deficiency. Last evaluated: 2025-04-15. Review status: criteria provided, single submitter. Criteria: ACMG Guidelines, 2015. Collection method: clinical testing. Allele origin: germline.

Blueprint Genetics
Classification: Pathogenic for ASL-related disorders. Last evaluated: 2024-11-25. Review status: criteria provided, single submitter. Criteria: ACMG Guidelines, 2015. Collection method: clinical testing. Allele origin: de novo. Affected: yes. Observed: 5 variant alleles.

CeGaT Center for Human Genetics Tuebingen
Classification: Pathogenic. Last evaluated: 2024-08-01. Review status: criteria provided, single submitter. Criteria: CeGaT Center For Human Genetics Tuebingen Variant Classification Criteria Version 2. Collection method: clinical testing. Allele origin: germline. Affected: yes. Observed: 6 variant alleles.
Comment: ASL: PM3:Very Strong, PM2, PP3, PS3:Supporting

Laboratory of Medical Genetics, National & Kapodistrian University of Athens
Classification: Pathogenic for Argininosuccinate lyase deficiency. Last evaluated: 2024-02-01. Review status: criteria provided, single submitter. Criteria: ACMG Guidelines, 2015. Collection method: curation. Allele origin: germline. Affected: no.

Mayo Clinic Laboratories, Mayo Clinic
Classification: Pathogenic. Last evaluated: 2024-01-29. Review status: criteria provided, single submitter. Criteria: ACMG Guidelines, 2015. Collection method: clinical testing. Allele origin: germline. Observed: 1 variant allele.
Comment: PP3, PM3_very_strong, PS3, PS4_moderate

Neuberg Centre For Genomic Medicine, NCGM
Classification: Pathogenic for Argininosuccinate lyase deficiency. Last evaluated: 2023-07-22. Review status: criteria provided, single submitter. Criteria: ACMG Guidelines, 2015. Collection method: clinical testing. Allele origin: germline. Inheritance: Autosomal recessive inheritance. Affected: yes.
Comment: The missense variant c.35G>Ap.Arg12Gln in ASL gene has been observed in homozygous / compound heterozygous state in individuals with argininosuccinic aciduria Balmer et. al., 2014; Al-Hashim et. al., 2016. Experimental studies have shown that this missense change affects ASL function Hu L et. al., 2015. The observed variant has allele frequency of 0.11% in gnomAD exomes database. This variant has been submitted to the ClinVar database as Likely Pathogenic / Pathogenic multiple submitters. Multiple lines of computational evidence Polyphen - probably damaging, SIFT - damaging and MutationTaster - disease causing predict a damaging effect on protein structure and function for this variant. The amino acid change p.Arg12Gln in ASL is predicted as conserved by GERP++ and PhyloP across 100 vertebrates. The amino acid Arg at position 12 is changed to a Gln changing protein sequence and it might alter its composition and physico-chemical properties. For these reasons, this variant has been classified as Pathogenic. In the absence of another reportable variant in ASL gene, the molecular diagnosis is not confirmed.

NM_000048.4(ASL):c.35G>A (p.Arg12Gln)

Gene: ASL (argininosuccinate lyase; plus strand). Cytogenetic location: 7q11.21.
Variant type: single nucleotide variant.
Coding change: c.35G>A on transcript NM_000048.4 (MANE Select); coding-DNA position 35, G replaced by A.
Protein change: p.Arg12Gln; replaces arginine 12 with glutamine.
Molecular consequence: missense variant.
Genome position (GRCh38, 1-based): chr7:66,081,825, G>A. VCF-style: chr7-66081825-G-A. GRCh37 (hg19) VCF-style: chr7-65546812-G-A.
Other names: p.R12Q:CGA>CAA; c.35G>A, p.Arg12Gln (NM_001024943.2, NM_001024944.2, NM_001024946.2); short protein forms R12Q.
Identifiers: ClinVar variation 92360 (VCV000092360.116), dbSNP rs145138923, ClinGen allele CA277117.